The following is an entry in ClinVar:

ClinVar aggregate classification (germline): Uncertain significance (1 of 4 stars; one submission).

Conditions:
FOXC1-related disorder. Also called: FOXC1-related condition.

Submission:

PreventionGenetics, part of Exact Sciences
Classification: Uncertain significance for FOXC1-related condition. Last evaluated: 2026-06-19. Review status: criteria provided, single submitter. Criteria: ACMG Guidelines, 2015. Collection method: clinical testing. Allele origin: germline.
Comment: The FOXC1 c.603_653del51 variant is predicted to result in an in-frame deletion (p.Ala204_Pro220del). To our knowledge, this variant has not been reported in the literature or in a large population database (gnomAD), indicating this variant is rare. At this time, the clinical significance of this variant is uncertain due to the absence of conclusive functional and genetic evidence.

NM_001453.3(FOXC1):c.603_653del (p.Ala204_Pro220del)

Gene: FOXC1 (forkhead box C1; plus strand). Cytogenetic location: 6p25.3.
Variant type: Deletion.
Coding change: c.603_653del on transcript NM_001453.3 (MANE Select); coding-DNA positions 603 to 653, 51 bases deleted.
Protein change: p.Ala204_Pro220del.
Molecular consequence: inframe deletion.
Genome position (GRCh38, 1-based): chr6:1,611,048-1,611,098, 51 bases deleted. GRCh37 (hg19): chr6:1,611,283-1,611,333.
Identifiers: ClinVar variation 4992193 (VCV004992193.1).